The following is an entry in ClinVar:

ClinVar aggregate classification (germline): Likely benign. Review status: criteria provided, multiple submitters, no conflicts (2 of 4 stars). 3 submissions from 3 submitters: Likely benign (3). Last evaluated 2025-06-12.

Conditions:
Nephronophthisis. Also called: Juvenile Nephronophthisis. Identifiers: Orphanet 655, MedGen C0687120, MONDO:0019005, HP:0000090.
IQCB1-related disorder. Also called: IQCB1-related condition.

Allele frequency attached by ClinVar (database versions not stated): gnomAD 0.00001; gnomAD exomes 0.00001 and 0.00002; ExAC 0.00002; TOPMed 0.00003.
gnomAD v4.1: 11 of 1,612,214 alleles (0.00068%); highest among the groups gnomAD compares: Admixed American, 0.0067%; no homozygotes.

Submissions (3):

Labcorp Genetics (formerly Invitae), Labcorp
Classification: Likely benign for Nephronophthisis. Last evaluated: 2025-06-12. Review status: criteria provided, single submitter. Criteria: Invitae Variant Classification Sherloc (09022015). Collection method: clinical testing. Allele origin: germline.

PreventionGenetics, part of Exact Sciences
Classification: Likely benign for IQCB1-related condition. Last evaluated: 2025-05-29. Review status: criteria provided, single submitter. Criteria: ACMG Guidelines, 2015. Collection method: clinical testing. Allele origin: germline.
Comment: This variant is classified as likely benign based on ACMG/AMP sequence variant interpretation guidelines (Richards et al. 2015 PMID: 25741868, with internal and published modifications).

Blueprint Genetics
Classification: Likely benign. Last evaluated: 2023-07-13. Review status: criteria provided, single submitter. Criteria: ACMG Guidelines, 2015. Collection method: clinical testing. Allele origin: germline.

NM_001023570.4(IQCB1):c.259T>C (p.Leu87=)

Gene: IQCB1 (IQ motif containing B1; minus strand). Cytogenetic location: 3q13.33.
Variant type: single nucleotide variant.
Coding change: c.259T>C on transcript NM_001023570.4 (MANE Select); coding-DNA position 259, T replaced by C.
Protein change: p.Leu87=; no amino-acid change (leucine 87 retained).
Molecular consequence: synonymous variant. On other transcripts: non-coding transcript variant (1).
Genome position (GRCh38, 1-based): chr3:121,828,474, A>G on the plus strand (T>C on the coding strand, the complement: IQCB1 is on the minus strand). VCF-style: chr3-121828474-A-G. GRCh37 (hg19) VCF-style: chr3-121547321-A-G.
Other names: c.259T>C (NM_001023570.3); c.259T>C, p.Leu87= (NM_001023571.4, NM_001319107.2).
Identifiers: ClinVar variation 1136927 (VCV001136927.11), dbSNP rs750343777, ClinGen allele CA2567489.